The following is an entry in ClinVar:

NM_000092.5(COL4A4):c.3885T>C (p.Gly1295=)

Gene: COL4A4 (collagen type IV alpha 4 chain; minus strand). Cytogenetic location: 2q36.3.
Variant type: single nucleotide variant.
Coding change: c.3885T>C on transcript NM_000092.5 (MANE Select); coding-DNA position 3885, T replaced by C.
Protein change: p.Gly1295=; no amino-acid change (glycine 1295 retained).
Molecular consequence: synonymous variant.
Genome position (GRCh38, 1-based): chr2:227,030,531, A>G on the plus strand (T>C on the coding strand, the complement: COL4A4 is on the minus strand). VCF-style: chr2-227030531-A-G. GRCh37 (hg19) VCF-style: chr2-227895247-A-G.
Identifiers: ClinVar variation 765804 (VCV000765804.16), dbSNP rs199839937, ClinGen allele CA2144391.

ClinVar aggregate classification (germline): Benign/Likely benign. Review status: criteria provided, multiple submitters, no conflicts (2 of 4 stars). 5 submissions from 5 submitters: Benign (1); Likely benign (2). 2 of the submissions do not count toward it. Last evaluated 2025-12-20.

Conditions:
COL4A4-related disorder.
Alport syndrome. Also called: Hemorrhagic familial nephritis; Hemorrhagic hereditary nephritis; Congenital hereditary hematuria. Identifiers: Orphanet 63, MedGen C1567741, MONDO:0018965.
Autosomal recessive Alport syndrome (ATS2). Also called: COL4A4 Alport Syndrome and Thin Basement Membrane Nephropathy; ALPORT SYNDROME 2, AUTOSOMAL RECESSIVE; COL4A3-Related Nephropathy; Alport syndrome type 2. Identifiers: Orphanet 63, Orphanet 88919, MedGen C4746745, MONDO:0008762, OMIM 203780.
Benign familial hematuria. Also called: thin basement membrane disease. Identifiers: MedGen C0241908, MONDO:0957317.

Allele frequency attached by ClinVar (database versions not stated): gnomAD exomes 0.00016 and 0.00019; gnomAD 0.00018 and 0.00019; 1000 Genomes Project 30x 0.00016; ExAC 0.00016; ESP Exome Variant Server 0.00017; 1000 Genomes Project 0.00020; TOPMed 0.00020.
gnomAD v4.1: 280 of 1,614,100 alleles (0.017%); highest among the groups gnomAD compares: Middle Eastern, 0.066%; no homozygotes.

Submissions (5):

Labcorp Genetics (formerly Invitae), Labcorp
Classification: Benign. Last evaluated: 2025-12-20. Review status: criteria provided, single submitter. Criteria: Invitae Variant Classification Sherloc (09022015). Collection method: clinical testing. Allele origin: germline.

Blueprint Genetics
Classification: Likely benign. Last evaluated: 2024-11-15. Review status: criteria provided, single submitter. Criteria: ACMG Guidelines, 2015. Collection method: clinical testing. Allele origin: germline.

Fulgent Genetics
Classification: Likely benign for Hematuria, benign familial, 1; Autosomal recessive Alport syndrome. Last evaluated: 2022-02-19. Review status: criteria provided, single submitter. Criteria: ACMG Guidelines, 2015. Collection method: clinical testing. Allele origin: unknown.

PreventionGenetics, part of Exact Sciences
Classification: Likely benign for COL4A4-related condition. Last evaluated: 2023-05-16. Review status: no assertion criteria provided. Collection method: clinical testing. Allele origin: germline. Not counted in ClinVar's aggregate classification.
Comment: This variant is classified as likely benign based on ACMG/AMP sequence variant interpretation guidelines (Richards et al. 2015 PMID: 25741868, with internal and published modifications).

Natera, Inc.
Classification: Likely benign for Alport syndrome. Last evaluated: 2020-03-21. Review status: no assertion criteria provided. Collection method: clinical testing. Allele origin: germline. Not counted in ClinVar's aggregate classification.